The following is an entry in ClinVar:

NM_000098.3(CPT2):c.188_189del (p.Arg63fs)

Gene: CPT2 (carnitine palmitoyltransferase 2; plus strand). Cytogenetic location: 1p32.3.
Variant type: Microsatellite.
Coding change: c.188_189del on transcript NM_000098.3 (MANE Select); coding-DNA positions 188 to 189, 2 bases deleted (GA; older notation c.188_189delGA).
Protein change: p.Arg63fs; shifts the reading frame from arginine 63.
Molecular consequence: frameshift variant.
Genome position (GRCh38, 1-based): chr1:53,200,754-53,200,755, GA deleted; deleting any 2 consecutive bases within chr1:53,200,752-53,200,755 gives the same sequence; the c. name uses the placement nearest the transcript's 3' end. VCF-style (leftmost placement, unchanged base first): chr1-53200751-GGA-G. GRCh37 (hg19) VCF-style: chr1-53666423-GGA-G.
Other names: c.188_189del, p.Arg63fs (NM_001330589.2); short protein forms R63fs.
Identifiers: ClinVar variation 5015249 (VCV005015249.1).

ClinVar aggregate classification (germline): Pathogenic (1 of 4 stars; one submission).

Conditions:
Carnitine palmitoyltransferase II deficiency. Also called: Carnitine Palmitoyltransferase 2 Deficiency. Identifiers: Orphanet 157, MedGen C0342790, MONDO:0015515.

Submission:

Myriad Genetics, Inc.
Classification: Pathogenic for Carnitine palmitoyltransferase II deficiency. Last evaluated: 2025-11-22. Review status: criteria provided, single submitter. Criteria: Myriad Autosomal Dominant, Autosomal Recessive and X-Linked Classification Criteria (2023). Collection method: clinical testing. Allele origin: unknown.
Comment: NM_000098.2(CPT2):c.188_189delGA(R63Ifs*11) is expected to be pathogenic in the context of carnitine palmitoyltransferase II deficiency. This variant is predicted to lead to an abnormal or absent protein product due to the creation of a premature termination codon in CPT2, a gene where loss-of-function variants are known to be pathogenic. Please note: this variant was assessed in the context of healthy population screening.